The following is an entry in ClinVar:

ClinVar aggregate classification (germline): Uncertain significance (1 of 4 stars; one submission).

Conditions:
Hereditary cancer-predisposing syndrome. Also called: Neoplastic Syndromes, Hereditary; Tumor predisposition; Hereditary Cancer Syndrome; Hereditary neoplastic syndrome. Identifiers: Orphanet 140162, MedGen C0027672, MeSH D009386, MONDO:0015356.

Allele frequency attached by ClinVar (database versions not stated): gnomAD exomes below 0.00001.
gnomAD v4.1: 2 of 1,611,280 alleles (0.00012%); highest among the groups gnomAD compares: Non-Finnish European, 0.00017%; no homozygotes.

Submission:

Ambry Genetics
Classification: Uncertain significance for Hereditary cancer-predisposing syndrome. Last evaluated: 2021-11-07. Review status: criteria provided, single submitter. Criteria: Ambry Variant Classification Scheme 2023. Collection method: clinical testing. Allele origin: germline.
Comment: The p.V501I variant (also known as c.1501G>A) is located in coding exon 13 of the MRE11A gene. The valine at codon 501 is replaced by isoleucine, an amino acid with highly similar properties. This change occurs in the first base pair of coding exon 13. This amino acid position is conserved. In addition, this alteration is predicted to be tolerated by in silico analysis. Since supporting evidence is limited at this time, the clinical significance of this alteration remains unclear.

NM_005591.4(MRE11):c.1501G>A (p.Val501Ile)

Gene: MRE11 (MRE11 double strand break repair nuclease; minus strand). Cytogenetic location: 11q21.
Variant type: single nucleotide variant.
Coding change: c.1501G>A on transcript NM_005591.4 (MANE Select); coding-DNA position 1501, G replaced by A.
Protein change: p.Val501Ile; replaces valine 501 with isoleucine.
Molecular consequence: missense variant.
Genome position (GRCh38, 1-based): chr11:94,456,338, C>T on the plus strand (G>A on the coding strand, the complement: MRE11 is on the minus strand). VCF-style: chr11-94456338-C-T. GRCh37 (hg19) VCF-style: chr11-94189504-C-T.
Other names: c.1501G>A, p.Val501Ile (NM_001330347.2, NM_005590.4); short protein forms V501I.
Identifiers: ClinVar variation 1799640 (VCV001799640.2), dbSNP rs2496361643, ClinGen allele CA382370883.